The following is an entry in ClinVar:

NM_001308093.3(GATA4):c.124C>A (p.Pro42Thr)

Gene: GATA4 (GATA binding protein 4). Cytogenetic location: 8p23.1.
Variant type: single nucleotide variant.
Coding change: c.124C>A on transcript NM_001308093.3 (MANE Select); coding-DNA position 124, C replaced by A.
Protein change: p.Pro42Thr; replaces proline 42 with threonine.
Molecular consequence: missense variant. On other transcripts: intron variant (3).
Genome position (GRCh38, 1-based): chr8:11,708,436, C>A. VCF-style: chr8-11708436-C-A. GRCh37 (hg19) VCF-style: chr8-11565945-C-A.
Other names: c.124C>A (NM_002052.3); c.124C>A, p.Pro42Thr (NM_002052.5); c.-6+7658C>A (NM_001308094.2); c.-3+422C>A (NM_001374274.1); c.-3+4132C>A (NM_001374273.1); short protein forms P42T.
Identifiers: ClinVar variation 1402632 (VCV001402632.9), dbSNP rs980252090, ClinGen allele CA370308934.

ClinVar aggregate classification (germline): Uncertain significance. Review status: criteria provided, multiple submitters, no conflicts (2 of 4 stars). 2 submissions from 2 submitters: Uncertain significance (2). Last evaluated 2024-11-03.

Conditions:
Atrioventricular septal defect 4 (AVSD4). Identifiers: MedGen C3280781, MONDO:0013747, OMIM 614430.

Allele frequency attached by ClinVar (database versions not stated): gnomAD exomes below 0.00001; gnomAD 0.00002; TOPMed 0.00002.
gnomAD v4.1: 4 of 1,534,162 alleles (0.00026%); highest among the groups gnomAD compares: African/African-American, 0.0055%; no homozygotes.

Submissions (2):

GeneDx
Classification: Uncertain significance. Last evaluated: 2024-11-03. Review status: criteria provided, single submitter. Criteria: GeneDx Variant Classification Process June 2021. Collection method: clinical testing. Allele origin: germline. Affected: yes.
Comment: Not observed at significant frequency in large population cohorts (gnomAD); In silico analysis indicates that this missense variant does not alter protein structure/function; This variant is associated with the following publications: (PMID: 33974263, 26457233)

Labcorp Genetics (formerly Invitae), Labcorp
Classification: Uncertain significance for Atrioventricular septal defect 4. Last evaluated: 2021-07-24. Review status: criteria provided, single submitter. Criteria: Invitae Variant Classification Sherloc (09022015). Collection method: clinical testing. Allele origin: germline.
Comment: In summary, the available evidence is currently insufficient to determine the role of this variant in disease. Therefore, it has been classified as a Variant of Uncertain Significance. Algorithms developed to predict the effect of missense changes on protein structure and function (SIFT, PolyPhen-2, Align-GVGD) all suggest that this variant is likely to be tolerated. This variant has not been reported in the literature in individuals affected with GATA4-related conditions. The frequency data for this variant in the population databases is considered unreliable, as metrics indicate insufficient coverage at this position in the ExAC database. This sequence change replaces proline with threonine at codon 42 of the GATA4 protein (p.Pro42Thr). The proline residue is weakly conserved and there is a small physicochemical difference between proline and threonine.